The following is an entry in ClinVar:

ClinVar aggregate classification (germline): Uncertain significance (1 of 4 stars; one submission).

gnomAD v4.1: 1 of 1,211,504 alleles (0.000083%); no homozygotes.

Submission:

GeneDx
Classification: Uncertain significance. Last evaluated: 2024-03-18. Review status: criteria provided, single submitter. Criteria: GeneDx Variant Classification Process June 2021. Collection method: clinical testing. Allele origin: germline. Affected: yes.
Comment: Not observed at significant frequency in large population cohorts (gnomAD); In silico analysis supports that this missense variant does not alter protein structure/function; Has not been previously published as pathogenic or benign to our knowledge

NM_001039591.3(USP9X):c.5935C>T (p.His1979Tyr)

Gene: USP9X (ubiquitin specific peptidase 9 X-linked; plus strand). Cytogenetic location: Xp11.4.
Variant type: single nucleotide variant.
Coding change: c.5935C>T on transcript NM_001039591.3 (MANE Select); coding-DNA position 5935, C replaced by T.
Protein change: p.His1979Tyr; replaces histidine 1979 with tyrosine.
Molecular consequence: missense variant.
Genome position (GRCh38, 1-based): chrX:41,216,502, C>T. VCF-style: chrX-41216502-C-T. GRCh37 (hg19) VCF-style: chrX-41075755-C-T.
Other names: c.5935C>T, p.His1979Tyr (NM_001039590.3); c.5950C>T, p.His1984Tyr (NM_001410748.1, NM_001410749.1); short protein forms H1979Y, H1984Y.
Identifiers: ClinVar variation 3370947 (VCV003370947.1).